The following is an entry in ClinVar:

ClinVar aggregate classification (germline): Uncertain significance (1 of 4 stars; one submission).

Conditions:
Combined immunodeficiency with skin granulomas. Identifiers: Orphanet 157949, MedGen C2673536, MONDO:0009306, OMIM 233650.
Severe combined immunodeficiency, autosomal recessive, T cell-negative, B cell-negative, NK cell-positive. Also called: SCID, AR, T-cell negative, B-cell negative, NK cell-positive; Severe combined immunodeficiency due to complete RAG1/2 deficiency; SCID, T CELL-NEGATIVE, B CELL-NEGATIVE, NK CELL-POSITIVE. Identifiers: Orphanet 331206, MedGen C1832322, MONDO:0011086, OMIM 601457.

Allele frequency attached by ClinVar (database versions not stated): gnomAD exomes below 0.00001; TOPMed below 0.00001; gnomAD 0.00001.
gnomAD v4.1: 2 of 1,614,090 alleles (0.00012%); highest among the groups gnomAD compares: East Asian, 0.0022%; no homozygotes.

Submission:

Labcorp Genetics (formerly Invitae), Labcorp
Classification: Uncertain significance for Combined immunodeficiency with skin granulomas; Severe combined immunodeficiency, autosomal recessive, T cell-negative, B cell-negative, NK cell-positive. Last evaluated: 2022-04-26. Review status: criteria provided, single submitter. Criteria: Invitae Variant Classification Sherloc (09022015). Collection method: clinical testing. Allele origin: germline.
Comment: This sequence change replaces isoleucine, which is neutral and non-polar, with valine, which is neutral and non-polar, at codon 674 of the RAG1 protein (p.Ile674Val). This variant is not present in population databases (gnomAD no frequency). This variant has not been reported in the literature in individuals affected with RAG1-related conditions. Advanced modeling of protein sequence and biophysical properties (such as structural, functional, and spatial information, amino acid conservation, physicochemical variation, residue mobility, and thermodynamic stability) performed at Invitae indicates that this missense variant is not expected to disrupt RAG1 protein function. In summary, the available evidence is currently insufficient to determine the role of this variant in disease. Therefore, it has been classified as a Variant of Uncertain Significance.

NM_000448.3(RAG1):c.2020A>G (p.Ile674Val)

Gene: RAG1 (recombination activating 1; plus strand). Cytogenetic location: 11p12.
Variant type: single nucleotide variant.
Coding change: c.2020A>G on transcript NM_000448.3 (MANE Select); coding-DNA position 2020, A replaced by G.
Protein change: p.Ile674Val; replaces isoleucine 674 with valine.
Molecular consequence: missense variant.
Genome position (GRCh38, 1-based): chr11:36,575,324, A>G. VCF-style: chr11-36575324-A-G. GRCh37 (hg19) VCF-style: chr11-36596874-A-G.
Other names: c.2020A>G, p.Ile674Val (NM_001377277.1, NM_001377278.1, NM_001377279.1 and 1 more transcripts); short protein forms I674V.
Identifiers: ClinVar variation 2160113 (VCV002160113.1), dbSNP rs765134146, ClinGen allele CA380153817.
Genomic context (GRCh38, chr11:36,575,324, plus strand): 5'-TGTTGCAAGCCATTGTGCCTTATGCTGGCAGATGAGTCTGACCACGAGACGCTGACTGCC[A>G]TCCTGAGTCCTCTCATTGCTGAGAGGGAGGCCATGAAGAGCAGTGAATTAATGCTTGAGC-3'
Protein context (NP_000439.2, residues 664-684): DESDHETLTA[Ile674Val]LSPLIAEREA